The following is an entry in ClinVar:

NM_000051.4(ATM):c.3169A>C (p.Lys1057Gln)

Gene: ATM (ATM serine/threonine kinase; plus strand). Cytogenetic location: 11q22.3.
Variant type: single nucleotide variant.
Coding change: c.3169A>C on transcript NM_000051.4 (MANE Select); coding-DNA position 3169, A replaced by C.
Protein change: p.Lys1057Gln; replaces lysine 1057 with glutamine.
Molecular consequence: missense variant.
Genome position (GRCh38, 1-based): chr11:108,272,737, A>C. VCF-style: chr11-108272737-A-C. GRCh37 (hg19) VCF-style: chr11-108143464-A-C.
Other names: c.3169A>C, p.Lys1057Gln (NM_001351834.2); short protein forms K1057Q.
Identifiers: ClinVar variation 1728392 (VCV001728392.5), dbSNP rs2135570125, ClinGen allele CA382515559.

ClinVar aggregate classification (germline): Uncertain significance. Review status: criteria provided, multiple submitters, no conflicts (2 of 4 stars). 3 submissions from 3 submitters: Uncertain significance (3). Last evaluated 2024-10-16.

Conditions:
Hereditary cancer-predisposing syndrome. Also called: Neoplastic Syndromes, Hereditary; Tumor predisposition; Hereditary Cancer Syndrome; Hereditary neoplastic syndrome. Identifiers: Orphanet 140162, MedGen C0027672, MeSH D009386, MONDO:0015356.
Ataxia-telangiectasia syndrome (AT). Also called: LOUIS-BAR SYNDROME; Cerebello-oculocutaneous telangiectasia; Immunodeficiency with ataxia telangiectasia; Ataxia-telangiectasia, complementation group D; AT, COMPLEMENTATION GROUP C; ATAXIA-TELANGIECTASIA, COMPLEMENTATION GROUP A. Identifiers: Orphanet 100, MedGen C0004135, MONDO:0008840, OMIM 208900.

Submissions (3):

Labcorp Genetics (formerly Invitae), Labcorp
Classification: Uncertain significance for Ataxia-telangiectasia syndrome. Last evaluated: 2024-10-16. Review status: criteria provided, single submitter. Criteria: Invitae Variant Classification Sherloc (09022015). Collection method: clinical testing. Allele origin: germline.
Comment: This sequence change replaces lysine, which is basic and polar, with glutamine, which is neutral and polar, at codon 1057 of the ATM protein (p.Lys1057Gln). This variant is not present in population databases (gnomAD no frequency). This variant has not been reported in the literature in individuals affected with ATM-related conditions. ClinVar contains an entry for this variant (Variation ID: 1728392). Invitae Evidence Modeling of protein sequence and biophysical properties (such as structural, functional, and spatial information, amino acid conservation, physicochemical variation, residue mobility, and thermodynamic stability) indicates that this missense variant is not expected to disrupt ATM protein function with a negative predictive value of 95%. In summary, the available evidence is currently insufficient to determine the role of this variant in disease. Therefore, it has been classified as a Variant of Uncertain Significance.

Color Diagnostics, LLC DBA Color Health
Classification: Uncertain significance for Hereditary cancer-predisposing syndrome. Last evaluated: 2024-02-04. Review status: criteria provided, single submitter. Criteria: ACMG Guidelines, 2015. Collection method: clinical testing. Allele origin: germline.
Comment: This missense variant replaces lysine with glutamine at codon 1057 of the ATM protein. Computational prediction suggests that this variant may not impact protein structure and function (internally defined REVEL score threshold <= 0.5, PMID: 27666373). To our knowledge, functional studies have not been reported for this variant. This variant has not been reported in individuals affected with ATM-related disorders in the literature. This variant has not been identified in the general population by the Genome Aggregation Database (gnomAD). The available evidence is insufficient to determine the role of this variant in disease conclusively. Therefore, this variant is classified as a Variant of Uncertain Significance.

Ambry Genetics
Classification: Uncertain significance for Hereditary cancer-predisposing syndrome. Last evaluated: 2022-05-26. Review status: criteria provided, single submitter. Criteria: Ambry Variant Classification Scheme 2023. Collection method: clinical testing. Allele origin: germline.
Comment: The p.K1057Q variant (also known as c.3169A>C), located in coding exon 21 of the ATM gene, results from an A to C substitution at nucleotide position 3169. The lysine at codon 1057 is replaced by glutamine, an amino acid with similar properties. This amino acid position is conserved. In addition, this alteration is predicted to be tolerated by in silico analysis. Since supporting evidence is limited at this time, the clinical significance of this alteration remains unclear.